The following is an entry in ClinVar:

NM_000051.4(ATM):c.3009A>G (p.Gln1003=)

Gene: ATM (ATM serine/threonine kinase; plus strand). Cytogenetic location: 11q22.3.
Variant type: single nucleotide variant.
Coding change: c.3009A>G on transcript NM_000051.4 (MANE Select); coding-DNA position 3009, A replaced by G.
Protein change: p.Gln1003=; no amino-acid change (glutamine 1003 retained).
Molecular consequence: synonymous variant.
Genome position (GRCh38, 1-based): chr11:108,271,338, A>G. VCF-style: chr11-108271338-A-G. GRCh37 (hg19) VCF-style: chr11-108142065-A-G.
Other names: c.3009A>G, p.Gln1003= (NM_001351834.2).
Identifiers: ClinVar variation 482588 (VCV000482588.13), dbSNP rs1555085154, ClinGen allele CA476674385.

ClinVar aggregate classification (germline): Benign/Likely benign. Review status: criteria provided, multiple submitters, no conflicts (2 of 4 stars). 3 submissions from 3 submitters: Benign (1); Likely benign (2). Last evaluated 2024-05-13.

Conditions:
Hereditary cancer-predisposing syndrome. Also called: Hereditary neoplastic syndrome; Neoplastic Syndromes, Hereditary; Tumor predisposition; Hereditary Cancer Syndrome. Identifiers: Orphanet 140162, MedGen C0027672, MeSH D009386, MONDO:0015356.
Familial cancer of breast. Also called: BREAST CANCER, FAMILIAL; Hereditary breast cancer; hereditary breast carcinoma. Identifiers: Orphanet 227535, MedGen C0346153, MONDO:0016419, OMIM 114480. Disease mechanism: loss of function.
Ataxia-telangiectasia syndrome (AT). Also called: LOUIS-BAR SYNDROME; Cerebello-oculocutaneous telangiectasia; Immunodeficiency with ataxia telangiectasia; AT, COMPLEMENTATION GROUP C; Ataxia-telangiectasia, complementation group D; ATAXIA-TELANGIECTASIA, COMPLEMENTATION GROUP A. Identifiers: Orphanet 100, MedGen C0004135, MONDO:0008840, OMIM 208900.

Submissions (3):

Myriad Genetics, Inc.
Classification: Benign for Familial cancer of breast. Last evaluated: 2024-05-13. Review status: criteria provided, single submitter. Criteria: Myriad Autosomal Dominant, Autosomal Recessive and X-Linked Classification Criteria (2023). Collection method: clinical testing. Allele origin: unknown.
Comment: This variant is considered benign. This variant is a silent/synonymous amino acid change and it is not expected to impact splicing.

Labcorp Genetics (formerly Invitae), Labcorp
Classification: Likely benign for Ataxia-telangiectasia syndrome. Last evaluated: 2023-09-23. Review status: criteria provided, single submitter. Criteria: Invitae Variant Classification Sherloc (09022015). Collection method: clinical testing. Allele origin: germline.

Ambry Genetics
Classification: Likely benign for Hereditary cancer-predisposing syndrome. Last evaluated: 2016-04-14. Review status: criteria provided, single submitter. Criteria: Ambry Variant Classification Scheme 2023. Collection method: clinical testing. Allele origin: germline.